The following is an entry in ClinVar:

NM_032638.5(GATA2):c.1177A>C (p.Ile393Leu)

Gene: GATA2 (GATA binding protein 2; minus strand). Cytogenetic location: 3q21.3.
Variant type: single nucleotide variant.
Coding change: c.1177A>C on transcript NM_032638.5 (MANE Select); coding-DNA position 1177, A replaced by C.
Protein change: p.Ile393Leu; replaces isoleucine 393 with leucine.
Molecular consequence: missense variant.
Genome position (GRCh38, 1-based): chr3:128,481,285, T>G on the plus strand (A>C on the coding strand, the complement: GATA2 is on the minus strand). VCF-style: chr3-128481285-T-G. GRCh37 (hg19) VCF-style: chr3-128200128-T-G.
Other names: c.1177A>C, p.Ile393Leu (NM_001145661.2); c.1135A>C, p.Ile379Leu (NM_001145662.1); short protein forms I379L, I393L.
Identifiers: ClinVar variation 2053578 (VCV002053578.4), dbSNP rs2472919354, ClinGen allele CA354413284.

ClinVar aggregate classification (germline): Uncertain significance (1 of 4 stars; one submission).

Conditions:
Monocytopenia with susceptibility to infections. Also called: IMMUNODEFICIENCY 21; MONOCYTOPENIA AND MYCOBACTERIAL INFECTION SYNDROME; MONOCYTOPENIA WITH SUSCEPTIBILITY TO MYCOBACTERIAL, FUNGAL, AND PAPILLOMAVIRUS INFECTIONS AND MYELODYSPLASIA; COMBINED IMMUNODEFICIENCY WITH SUSCEPTIBILITY TO MYCOBACTERIAL, VIRAL, AND FUNGAL INFECTIONS; Dendritic cell, monocyte, B lymphocyte, and natural killer lymphocyte deficiency; GATA2 DEFICIENCY. Identifiers: Orphanet 228423, MedGen C3280030, MONDO:0013607, OMIM 614172.
Deafness-lymphedema-leukemia syndrome. Also called: Lymphedema, primary, with myelodysplasia; Emberger syndrome. Identifiers: Orphanet 3226, MedGen C3279664, MONDO:0013540, OMIM 614038.

Submission:

Labcorp Genetics (formerly Invitae), Labcorp
Classification: Uncertain significance for Monocytopenia with susceptibility to infections; Deafness-lymphedema-leukemia syndrome. Last evaluated: 2022-04-08. Review status: criteria provided, single submitter. Criteria: Invitae Variant Classification Sherloc (09022015). Collection method: clinical testing. Allele origin: germline.
Comment: This sequence change replaces isoleucine, which is neutral and non-polar, with leucine, which is neutral and non-polar, at codon 393 of the GATA2 protein (p.Ile393Leu). This variant is not present in population databases (gnomAD no frequency). This variant has not been reported in the literature in individuals affected with GATA2-related conditions. Advanced modeling of protein sequence and biophysical properties (such as structural, functional, and spatial information, amino acid conservation, physicochemical variation, residue mobility, and thermodynamic stability) performed at Invitae indicates that this missense variant is expected to disrupt GATA2 protein function. In summary, the available evidence is currently insufficient to determine the role of this variant in disease. Therefore, it has been classified as a Variant of Uncertain Significance.